The following is an entry in ClinVar:

NM_133642.5(LARGE1):c.1425C>T (p.Thr475=)

Gene: LARGE1 (LARGE xylosyl- and glucuronyltransferase 1; minus strand). Cytogenetic location: 22q12.3.
Variant type: single nucleotide variant.
Coding change: c.1425C>T on transcript NM_133642.5 (MANE Select); coding-DNA position 1425, C replaced by T.
Protein change: p.Thr475=; no amino-acid change (threonine 475 retained).
Molecular consequence: synonymous variant.
Genome position (GRCh38, 1-based): chr22:33,316,111, G>A on the plus strand (C>T on the coding strand, the complement: LARGE1 is on the minus strand). VCF-style: chr22-33316111-G-A. GRCh37 (hg19) VCF-style: chr22-33712097-G-A.
Other names: c.1425C>T, p.Thr475= (NM_001362949.2, NM_001362951.2, NM_001362953.2 and 6 more transcripts); c.1269C>T, p.Thr423= (NM_001378629.1); c.822C>T, p.Thr274= (NM_001378630.1); c.666C>T, p.Thr222= (NM_001378631.1).
Identifiers: ClinVar variation 4823675 (VCV004823675.4).

ClinVar aggregate classification (germline): Likely benign (1 of 4 stars; one submission).

Submission:

CeGaT Center for Human Genetics Tuebingen
Classification: Likely benign. Last evaluated: 2026-03-01. Review status: criteria provided, single submitter. Criteria: CeGaT Center For Human Genetics Tuebingen Variant Classification Criteria Version 2. Collection method: clinical testing. Allele origin: germline. Affected: yes. Observed: 1 variant allele.
Comment: LARGE1: PM2:Supporting, BP4, BP7